The following is an entry in ClinVar:

ClinVar aggregate classification (germline): Pathogenic (1 of 4 stars; one submission).

Conditions:
Galactosylceramide beta-galactosidase deficiency. Also called: GALACTOCEREBROSIDASE DEFICIENCY; GALC DEFICIENCY; GLOBOID CELL LEUKOENCEPHALOPATHY; Leukodystrophy, Globoid Cell; Krabbe Disease. Identifiers: Orphanet 487, MedGen C0023521, MONDO:0009499, OMIM 245200.

Submission:

Myriad Genetics, Inc.
Classification: Pathogenic for Galactosylceramide beta-galactosidase deficiency. Last evaluated: 2025-07-13. Review status: criteria provided, single submitter. Criteria: Myriad Autosomal Dominant, Autosomal Recessive and X-Linked Classification Criteria (2023). Collection method: clinical testing. Allele origin: unknown.
Comment: NM_000153.3(GALC):c.1549_1553del5(F517Kfs*3) is expected to be pathogenic in the context of Krabbe disease. This variant is predicted to lead to an abnormal or absent protein product due to the creation of a premature termination codon in GALC, a gene where loss-of-function variants are known to be pathogenic. Please note: this variant was assessed in the context of healthy population screening.

NM_000153.4(GALC):c.1549_1553del (p.Phe517fs)

Gene: GALC (galactosylceramidase; minus strand). Cytogenetic location: 14q31.3.
Variant type: Deletion.
Coding change: c.1549_1553del on transcript NM_000153.4 (MANE Select); coding-DNA positions 1549 to 1553, 5 bases deleted (TTTAC; older notation c.1549_1553delTTTAC).
Protein change: p.Phe517fs; shifts the reading frame from phenylalanine 517.
Molecular consequence: frameshift variant.
Genome position (GRCh38, 1-based): chr14:87,945,670-87,945,674, GTAAA deleted on the plus strand (TTTAC on the coding strand, the reverse complement: GALC is on the minus strand). VCF-style (leftmost placement, unchanged base first): chr14-87945669-TGTAAA-T. GRCh37 (hg19) VCF-style: chr14-88412013-TGTAAA-T.
Other names: c.1480_1484del, p.Phe494fs (NM_001201401.2); c.1471_1475del, p.Phe491fs (NM_001201402.2); c.1381_1385del, p.Phe461fs (NM_001424071.1, NM_001424072.1, NM_001424073.1); c.1201_1205del, p.Phe401fs (NM_001424074.1, NM_001424075.1); c.916_920del, p.Phe306fs (NM_001424076.1, NM_001424077.1); short protein forms F306fs, F401fs, F461fs, F491fs, F494fs, F517fs.
Identifiers: ClinVar variation 5014712 (VCV005014712.1).